The following is an entry in ClinVar:

ClinVar aggregate classification (germline): Uncertain significance (1 of 4 stars; one submission).

Conditions:
Dyskeratosis congenita, autosomal dominant 1 (DKCA1). Also called: Dyskeratosis congenita Scoggins type. Identifiers: Orphanet 1775, MedGen C4551974, MONDO:0007485, OMIM 127550. Inheritance: Variable.

Allele frequency attached by ClinVar (database versions not stated): gnomAD exomes below 0.00001.
gnomAD v4.1: 1 of 742,718 alleles (0.00013%); no homozygotes.

Submission:

Labcorp Genetics (formerly Invitae), Labcorp
Classification: Uncertain significance for Dyskeratosis congenita, autosomal dominant 1. Last evaluated: 2024-06-18. Review status: criteria provided, single submitter. Criteria: Invitae Variant Classification Sherloc (09022015). Collection method: clinical testing. Allele origin: germline.
Comment: This variant occurs in the TERC gene, which encodes an RNA molecule that does not result in a protein product. This variant is not present in population databases (gnomAD no frequency). This variant has been observed in individual(s) with clinical features of TERC-related conditions (PMID: 21931702, 28104920, 30523342). Algorithms developed to predict the effect of variants on gene product structure and function are not available or were not evaluated for this variant. Experimental studies have shown that this variant affects TERC function (PMID: 21931702). This variant is located within the conserved regions 4 and 5 (CR4-CR5) domain of the TERC RNA component, which is required for telomerase activity (PMID: 15082312, 21844345). In summary, the available evidence is currently insufficient to determine the role of this variant in disease. Therefore, it has been classified as a Variant of Uncertain Significance.

Literature cited by the submitters: PubMed 21931702; PubMed 28104920; PubMed 30523342; PubMed 15082312; PubMed 21844345.

NC_000003.12:g.169764774G>C

Genes: TERC (telomerase RNA component; minus strand), LOC110806306 (telomerase RNA component (TERC) promoter; plus strand). Cytogenetic location: 3q26.2.
Variant type: single nucleotide variant.
Genome position: GRCh38 VCF-style: chr3-169764774-G-C. GRCh37 (hg19) VCF-style: chr3-169482562-G-C.
Identifiers: ClinVar variation 2734585 (VCV002734585.3), dbSNP rs1777960407, ClinGen allele CA436715153.